The following is an entry in ClinVar:

NM_201384.3(PLEC):c.4872C>T (p.Arg1624=)

Gene: PLEC (plectin; minus strand). Cytogenetic location: 8q24.3.
Variant type: single nucleotide variant.
Coding change: c.4872C>T on transcript NM_201384.3 (MANE Select); coding-DNA position 4872, C replaced by T.
Protein change: p.Arg1624=; no amino-acid change (arginine 1624 retained).
Molecular consequence: synonymous variant.
Genome position (GRCh38, 1-based): chr8:143,925,057, G>A on the plus strand (C>T on the coding strand, the complement: PLEC is on the minus strand). VCF-style: chr8-143925057-G-A. GRCh37 (hg19) VCF-style: chr8-144999225-G-A.
Other names: c.4953C>T (NM_000445.4); c.4953C>T, p.Arg1651= (NM_000445.5); c.4830C>T, p.Arg1610= (NM_201378.4); c.4806C>T, p.Arg1602= (NM_201379.3); c.5283C>T, p.Arg1761= (NM_201380.4); c.4776C>T, p.Arg1592= (NM_201381.3); c.4872C>T, p.Arg1624= (NM_201382.4); c.4884C>T, p.Arg1628= (NM_201383.3).
Identifiers: ClinVar variation 1398897 (VCV001398897.7), dbSNP rs2857825, ClinGen allele CA4926513.
Genomic context (GRCh38, chr8:143,925,057, plus strand): 5'-CAGCCGTAGCGCCTCGTTGGCCTTGAGCTGCCAGCGCTCCAGCTCCCGCTCTGCCTCCTC[G>A]CGCGCCCGCTCGGCCTCGGCCTGCTGCTGTGCCCGCCGCTCAGCCTCCTCCCGCAGCTGT-3'
Protein context (NP_958786.1, residues 1614-1634): AQQQAEAERA[Arg1624=]EEAERELERW

ClinVar aggregate classification (germline): Likely benign. Review status: criteria provided, multiple submitters, no conflicts (2 of 4 stars). 2 submissions from 2 submitters: Likely benign (2). Last evaluated 2026-02-03.

Conditions:
PLEC-related disorder. Also called: PLEC-related condition; PLEC-related disorders.
Autosomal recessive limb-girdle muscular dystrophy type 2Q (LGMDR17). Also called: MUSCULAR DYSTROPHY, LIMB-GIRDLE, AUTOSOMAL RECESSIVE 17. Identifiers: Orphanet 254361, MedGen C3150989, MONDO:0013390, OMIM 613723.
Epidermolysis bullosa simplex with nail dystrophy (EBS5D). Identifiers: MedGen C4225309, MONDO:0014661, OMIM 616487.
Epidermolysis bullosa simplex 5B, with muscular dystrophy (EBS5B). Also called: EPIDERMOLYSIS BULLOSA SIMPLEX AND LIMB-GIRDLE MUSCULAR DYSTROPHY; Epidermolysis bullosa simplex with muscular dystrophy. Identifiers: Orphanet 257, MedGen C2931072, MONDO:0009181, OMIM 226670.
Epidermolysis bullosa simplex, Ogna type (EBS5A). Also called: Pidermolysis bullosa simplex 5A, Ogna type; EPIDERMOLYSIS BULLOSA SIMPLEX 5A, OGNA TYPE. Identifiers: Orphanet 79401, MedGen C0432317, MONDO:0007555, OMIM 131950.
Epidermolysis bullosa simplex 5C, with pyloric atresia (EBS5C). Also called: PLEC1-Related Epidermolysis Bullosa with Pyloric Atresia; PLEC-Related Epidermolysis Bullosa with Pyloric Atresia; Epidermolysis bullosa simplex with pyloric atresia. Identifiers: Orphanet 158684, MedGen C2677349, MONDO:0012807, OMIM 612138.

Allele frequency attached by ClinVar (database versions not stated): gnomAD exomes 0.00001 and 0.00002; gnomAD 0.00003 and 0.00004; TOPMed 0.00003; ExAC 0.00006; ESP Exome Variant Server 0.00019.

Submissions (2):

PreventionGenetics, part of Exact Sciences
Classification: Likely benign for PLEC-related condition. Last evaluated: 2026-02-03. Review status: criteria provided, single submitter. Criteria: ACMG Guidelines, 2015. Collection method: clinical testing. Allele origin: germline.
Comment: This variant is classified as likely benign based on ACMG/AMP sequence variant interpretation guidelines (Richards et al. 2015 PMID: 25741868, with internal and published modifications).

Labcorp Genetics (formerly Invitae), Labcorp
Classification: Likely benign for Autosomal recessive limb-girdle muscular dystrophy type 2Q; Epidermolysis bullosa simplex, Ogna type; Epidermolysis bullosa simplex with nail dystrophy; Epidermolysis bullosa simplex 5C, with pyloric atresia; Epidermolysis bullosa simplex 5B, with muscular dystrophy. Last evaluated: 2025-03-17. Review status: criteria provided, single submitter. Criteria: Invitae Variant Classification Sherloc (09022015). Collection method: clinical testing. Allele origin: germline.